The following is an entry in ClinVar:

NM_054027.6(ANKH):c.118G>T (p.Ala40Ser)

Gene: ANKH (ANKH inorganic pyrophosphate transport regulator; minus strand). Cytogenetic location: 5p15.2.
Variant type: single nucleotide variant.
Coding change: c.118G>T on transcript NM_054027.6 (MANE Select); coding-DNA position 118, G replaced by T.
Protein change: p.Ala40Ser; replaces alanine 40 with serine.
Molecular consequence: missense variant.
Genome position (GRCh38, 1-based): chr5:14,769,170, C>A on the plus strand (G>T on the coding strand, the complement: ANKH is on the minus strand). VCF-style: chr5-14769170-C-A. GRCh37 (hg19) VCF-style: chr5-14769279-C-A.
Other names: short protein forms A40S.
Identifiers: ClinVar variation 3689548 (VCV003689548.2).

ClinVar aggregate classification (germline): Uncertain significance (1 of 4 stars; one submission).

Submission:

Labcorp Genetics (formerly Invitae), Labcorp
Classification: Uncertain significance. Last evaluated: 2024-10-16. Review status: criteria provided, single submitter. Criteria: Invitae Variant Classification Sherloc (09022015). Collection method: clinical testing. Allele origin: germline.
Comment: This sequence change replaces alanine, which is neutral and non-polar, with serine, which is neutral and polar, at codon 40 of the ANKH protein (p.Ala40Ser). This variant is not present in population databases (gnomAD no frequency). This variant has not been reported in the literature in individuals affected with ANKH-related conditions. Invitae Evidence Modeling of protein sequence and biophysical properties (such as structural, functional, and spatial information, amino acid conservation, physicochemical variation, residue mobility, and thermodynamic stability) indicates that this missense variant is not expected to disrupt ANKH protein function with a negative predictive value of 80%. In summary, the available evidence is currently insufficient to determine the role of this variant in disease. Therefore, it has been classified as a Variant of Uncertain Significance.